The following is an entry in ClinVar:

NM_000264.5(PTCH1):c.351AGC[1] (p.Ala119del)

Gene: PTCH1 (patched 1; minus strand). Cytogenetic location: 9q22.32.
Variant type: Microsatellite.
Coding change: c.351AGC[1] on transcript NM_000264.5 (MANE Select); one copy of the 3-base unit AGC starting at c.351; the reference has two copies in a row; one copy, 3 bases deleted.
Protein change: p.Ala119del; deletes alanine 119.
Molecular consequence: inframe deletion. On other transcripts: inframe indel (1), 5 prime UTR variant (4), non-coding transcript variant (1).
Genome position (GRCh38, 1-based): chr9:95,506,445-95,506,447, GCT deleted on the plus strand (AGC on the coding strand, the reverse complement: PTCH1 is on the minus strand); deleting any 3 consecutive bases within chr9:95,506,445-95,506,450 gives the same sequence; the position shown is the placement nearest the transcript's 3' end. VCF-style (leftmost placement, unchanged base first): chr9-95506444-CGCT-C. GRCh37 (hg19) VCF-style: chr9-98268726-CGCT-C.
Other names: c.354_356delAGC (NM_000264.3); c.351_353AGC[1], p.Ala119del (NM_000264.3); c.153AGC[1], p.Ala53del (NM_001083602.3, NM_001354919.2); c.348AGC[1], p.Ala118del (NM_001083603.3); c.-103AGC[1] (NM_001083604.3, NM_001083605.3, NM_001083606.3 and 1 more transcripts); c.351AGC[1], p.Ala119del (NM_001354918.2); short protein forms A119del, A53del, A118del.
Identifiers: ClinVar variation 2102820 (VCV002102820.5), dbSNP rs2538382277, ClinGen allele CA2580616233.

ClinVar aggregate classification (germline): Uncertain significance. Review status: criteria provided, multiple submitters, no conflicts (2 of 4 stars). 2 submissions from 2 submitters: Uncertain significance (2). Last evaluated 2026-04-23.

Conditions:
Hereditary cancer-predisposing syndrome. Also called: Neoplastic Syndromes, Hereditary; Tumor predisposition; Hereditary Cancer Syndrome; Hereditary neoplastic syndrome. Identifiers: Orphanet 140162, MedGen C0027672, MeSH D009386, MONDO:0015356.
Gorlin syndrome. Also called: Nevoid Basal Cell Carcinoma Syndrome; Basal cell nevus syndrome. Identifiers: Orphanet 377, MedGen C0004779, MONDO:0007187.

Submissions (2):

Ambry Genetics
Classification: Uncertain significance for Hereditary cancer-predisposing syndrome. Last evaluated: 2026-04-23. Review status: criteria provided, single submitter. Criteria: Ambry Variant Classification Scheme 2023. Collection method: clinical testing. Allele origin: germline.
Comment: The c.354_356delAGC variant (also known as p.A119del) is located in coding exon 2 of the PTCH1 gene. This variant results from an in-frame AGC deletion at nucleotide positions 354 to 356. This results in the in-frame deletion of an alanine at codon 119. This amino acid position is highly conserved in available vertebrate species. In addition, this variant is predicted to be deleterious by in silico analysis (Choi Y et al. PLoS ONE. 2012; 7(10):e46688). Based on the available evidence, the clinical significance of this variant remains unclear.

Labcorp Genetics (formerly Invitae), Labcorp
Classification: Uncertain significance for Gorlin syndrome. Last evaluated: 2022-02-24. Review status: criteria provided, single submitter. Criteria: Invitae Variant Classification Sherloc (09022015). Collection method: clinical testing. Allele origin: germline.
Comment: This variant has not been reported in the literature in individuals affected with PTCH1-related conditions. In summary, the available evidence is currently insufficient to determine the role of this variant in disease. Therefore, it has been classified as a Variant of Uncertain Significance. Experimental studies and prediction algorithms are not available or were not evaluated, and the functional significance of this variant is currently unknown. This variant is not present in population databases (gnomAD no frequency). This variant, c.354_356del, results in the deletion of 1 amino acid(s) of the PTCH1 protein (p.Ala119del), but otherwise preserves the integrity of the reading frame.